The following is an entry in ClinVar:

NM_006445.4(PRPF8):c.4214T>C (p.Leu1405Ser)

Gene: PRPF8 (pre-mRNA processing factor 8; minus strand). Cytogenetic location: 17p13.3.
Variant type: single nucleotide variant.
Coding change: c.4214T>C on transcript NM_006445.4 (MANE Select); coding-DNA position 4214, T replaced by C.
Protein change: p.Leu1405Ser; replaces leucine 1405 with serine.
Molecular consequence: missense variant.
Genome position (GRCh38, 1-based): chr17:1,661,395, A>G on the plus strand (T>C on the coding strand, the complement: PRPF8 is on the minus strand). VCF-style: chr17-1661395-A-G. GRCh37 (hg19) VCF-style: chr17-1564689-A-G.
Other names: short protein forms L1405S.
Identifiers: ClinVar variation 3370673 (VCV003370673.1).
Genomic context (GRCh38, chr17:1,661,395, plus strand): 5'-TTCTGGAAGAGGGTATTGATTCGAGGAATGCCACGATCCCATGAATCTTCTAGGTCTTCT[A>G]AAGTCAGGCGTCTTCCAAAAAAAGAAAGATTCAAGTCAAAACGTGATCTCATATGAGGAG-3'
Protein context (NP_006436.3, residues 1395-1415): EAIAQNRRLT[Leu1405Ser]EDLEDSWDRG

ClinVar aggregate classification (germline): Uncertain significance (1 of 4 stars; one submission).

gnomAD v4.1: 1 of 1,614,214 alleles (0.000062%); highest among the groups gnomAD compares: Non-Finnish European, 0.000085%; no homozygotes.

Submission:

GeneDx
Classification: Uncertain significance. Last evaluated: 2024-03-07. Review status: criteria provided, single submitter. Criteria: GeneDx Variant Classification Process June 2021. Collection method: clinical testing. Allele origin: germline. Affected: yes.
Comment: Not observed at significant frequency in large population cohorts (gnomAD); In silico analysis supports that this missense variant has a deleterious effect on protein structure/function; Has not been previously published as pathogenic or benign to our knowledge